The following is an entry in ClinVar:

NM_003000.3(SDHB):c.548T>C (p.Leu183Pro)

Gene: SDHB (succinate dehydrogenase complex iron sulfur subunit B; minus strand). Cytogenetic location: 1p36.13.
Variant type: single nucleotide variant.
Coding change: c.548T>C on transcript NM_003000.3 (MANE Select); coding-DNA position 548, T replaced by C.
Protein change: p.Leu183Pro; replaces leucine 183 with proline.
Molecular consequence: missense variant.
Genome position (GRCh38, 1-based): chr1:17,024,067, A>G on the plus strand (T>C on the coding strand, the complement: SDHB is on the minus strand). VCF-style: chr1-17024067-A-G. GRCh37 (hg19) VCF-style: chr1-17350562-A-G.
Other names: c.494T>C, p.Leu165Pro (NM_001407361.1); short protein forms L165P, L183P.
Identifiers: ClinVar variation 3438768 (VCV003438768.2).

ClinVar aggregate classification (germline): Uncertain significance (1 of 4 stars; one submission).

Conditions:
Hereditary cancer-predisposing syndrome. Also called: Neoplastic Syndromes, Hereditary; Tumor predisposition; Hereditary Cancer Syndrome; Hereditary neoplastic syndrome. Identifiers: Orphanet 140162, MedGen C0027672, MeSH D009386, MONDO:0015356.

Submission:

Ambry Genetics
Classification: Uncertain significance for Hereditary cancer-predisposing syndrome. Last evaluated: 2026-04-03. Review status: criteria provided, single submitter. Criteria: Ambry Variant Classification Scheme 2023. Collection method: clinical testing. Allele origin: germline.
Comment: The p.L183P variant (also known as c.548T>C), located in coding exon 6 of the SDHB gene, results from a T to C substitution at nucleotide position 548. The leucine at codon 183 is replaced by proline, an amino acid with similar properties. This amino acid position is conserved. In addition, this alteration is predicted to be deleterious by in silico analysis. Based on the available evidence, the clinical significance of this variant remains unclear.